The following is an entry in ClinVar:

NM_016151.4(TAOK2):c.200A>G (p.Asn67Ser)

Gene: TAOK2 (TAO kinase 2; plus strand). Cytogenetic location: 16p11.2.
Variant type: single nucleotide variant.
Coding change: c.200A>G on transcript NM_016151.4 (MANE Select); coding-DNA position 200, A replaced by G.
Protein change: p.Asn67Ser; replaces asparagine 67 with serine.
Molecular consequence: missense variant.
Genome position (GRCh38, 1-based): chr16:29,978,156, A>G. VCF-style: chr16-29978156-A-G. GRCh37 (hg19) VCF-style: chr16-29989477-A-G.
Other names: c.200A>G (NM_016151.2); c.200A>G, p.Asn67Ser (NM_001252043.2, NM_004783.4); short protein forms N67S.
Identifiers: ClinVar variation 1425506 (VCV001425506.7), dbSNP rs966469217, ClinGen allele CA280430638.

ClinVar aggregate classification (germline): Uncertain significance. Review status: criteria provided, multiple submitters, no conflicts (2 of 4 stars). 2 submissions from 2 submitters: Uncertain significance (2). Last evaluated 2025-12-08.

Allele frequency attached by ClinVar (database versions not stated): gnomAD exomes 0.00002; gnomAD 0.00005 and 0.00006; TOPMed 0.00005.
gnomAD v4.1: 60 of 1,613,956 alleles (0.0037%); highest among the groups gnomAD compares: Middle Eastern, 0.016%; no homozygotes.

Submissions (2):

Ambry Genetics
Classification: Uncertain significance. Last evaluated: 2025-12-08. Review status: criteria provided, single submitter. Criteria: Ambry Variant Classification Scheme 2023. Collection method: clinical testing. Allele origin: germline.

Labcorp Genetics (formerly Invitae), Labcorp
Classification: Uncertain significance. Last evaluated: 2024-10-28. Review status: criteria provided, single submitter. Criteria: Invitae Variant Classification Sherloc (09022015). Collection method: clinical testing. Allele origin: germline.
Comment: This sequence change replaces asparagine, which is neutral and polar, with serine, which is neutral and polar, at codon 67 of the TAOK2 protein (p.Asn67Ser). This variant is present in population databases (no rsID available, gnomAD 0.006%). This variant has not been reported in the literature in individuals affected with TAOK2-related conditions. ClinVar contains an entry for this variant (Variation ID: 1425506). An algorithm developed to predict the effect of missense changes on protein structure and function (PolyPhen-2) suggests that this variant is likely to be tolerated. In summary, the available evidence is currently insufficient to determine the role of this variant in disease. Therefore, it has been classified as a Variant of Uncertain Significance.